The following is an entry in ClinVar:

ClinVar aggregate classification (germline): Likely benign (1 of 4 stars; one submission).

Submission:

Center for Pediatric Genomic Medicine, Children's Mercy Hospital and Clinics
Classification: Likely benign. Last evaluated: 2016-09-14. Review status: criteria provided, single submitter. Criteria: ACMG Guidelines, 2015. Collection method: clinical testing. Allele origin: germline.
ClinVar note: Converted during submission from Likely Benign to Likely benign.

NC_012920.1(MT-ND4L):m.10632T>C

Gene: MT-ND4L (mitochondrially encoded NADH dehydrogenase 4L; plus strand).
Variant type: single nucleotide variant.
Genome position: chrM-10632-T-C.
Identifiers: ClinVar variation 376882 (VCV000376882.3), dbSNP rs878888873, ClinGen allele CA16603200.